The following is an entry in ClinVar:

ClinVar aggregate classification (germline): Pathogenic. Review status: reviewed by expert panel (3 of 4 stars). 12 submissions from 12 submitters: Pathogenic (1). 11 of the submissions do not count toward it. Last evaluated 2016-09-08.

Conditions:
Familial pancreatic carcinoma. Identifiers: Orphanet 1333, MedGen C2931038, MONDO:0015278, OMIM 260350.
Hereditary cancer-predisposing syndrome. Also called: Hereditary Cancer Syndrome; Tumor predisposition; Neoplastic Syndromes, Hereditary; Hereditary neoplastic syndrome. Identifiers: Orphanet 140162, MedGen C0027672, MeSH D009386, MONDO:0015356.
Hereditary breast ovarian cancer syndrome. Also called: Hereditary breast and ovarian cancer syndrome; Hereditary breast and/or ovarian cancer syndrome; Hereditary breast and ovarian cancer; Hereditary breast and ovarian cancer syndrome (HBOC); Breast and ovarian cancer; BRCA1- and BRCA2-Associated Hereditary Breast and Ovarian Cancer. Identifiers: Orphanet 145, MedGen C0677776, MeSH D061325, MONDO:0003582. Disease mechanism: loss of function.
Breast-ovarian cancer, familial, susceptibility to, 2 (BROVCA2). Also called: BRCA2 Hereditary Breast and Ovarian Cancer. Identifiers: Orphanet 145, MedGen C2675520, MONDO:0012933, OMIM 612555. Disease mechanism: loss of function.
Familial cancer of breast. Also called: BREAST CANCER, FAMILIAL; Hereditary breast cancer; hereditary breast carcinoma. Identifiers: Orphanet 227535, MedGen C0346153, MONDO:0016419, OMIM 114480. Disease mechanism: loss of function.

Submissions (12):

Evidence-based Network for the Interpretation of Germline Mutant Alleles (ENIGMA)
Classification: Pathogenic for Breast-ovarian cancer, familial, susceptibility to, 2. Last evaluated: 2016-09-08. Review status: reviewed by expert panel. Criteria: ENIGMA BRCA1/2 Classification Criteria (2015). Collection method: curation. Allele origin: germline.
Comment: Variant allele predicted to encode a truncated non-functional protein.

GeneDx
Classification: Pathogenic. Last evaluated: 2026-02-18. Review status: criteria provided, single submitter. Criteria: GeneDx Variant Classification Process June 2021. Collection method: clinical testing. Allele origin: germline. Not counted in ClinVar's aggregate classification.
Comment: Observed in individuals with a personal or family history consistent with pathogenic variants in this gene (PMID: 26687385, 30720863, 29752822, 27356891, 31528241); Nonsense variant predicted to result in protein truncation or nonsense mediated decay in a gene for which loss of function is a known mechanism of disease; Not observed at significant frequency in large population cohorts (gnomAD); Also known as 5910C>A; This variant is associated with the following publications: (PMID: 29446198, 36655350, 28152038, 30702160, 31825140, 33461583, 26687385, 21913181, 39966892, 11597388, 18042939, 31528241, 27356891, 29752822, 30720863)

Labcorp Genetics (formerly Invitae), Labcorp
Classification: Pathogenic for Hereditary breast ovarian cancer syndrome. Last evaluated: 2026-01-13. Review status: criteria provided, single submitter. Criteria: Invitae Variant Classification Sherloc (09022015). Collection method: clinical testing. Allele origin: germline. Not counted in ClinVar's aggregate classification.
Comment: This sequence change creates a premature translational stop signal (p.Tyr1894*) in the BRCA2 gene. It is expected to result in an absent or disrupted protein product. Loss-of-function variants in BRCA2 are known to be pathogenic (PMID: 20104584). This variant is not present in population databases (gnomAD no frequency). This premature translational stop signal has been observed in individual(s) with a personal and/or family history of breast and/or ovarian cancer (PMID: 29446198, 29752822, 30720863). ClinVar contains an entry for this variant (Variation ID: 126072). For these reasons, this variant has been classified as Pathogenic.

Ambry Genetics
Classification: Pathogenic for Hereditary cancer-predisposing syndrome. Last evaluated: 2024-04-17. Review status: criteria provided, single submitter. Criteria: Ambry Variant Classification Scheme 2023. Collection method: clinical testing. Allele origin: germline. Not counted in ClinVar's aggregate classification.
Comment: The p.Y1894* pathogenic mutation (also known as c.5682C>A), located in coding exon 10 of the BRCA2 gene, results from a C to A substitution at nucleotide position 5682. This changes the amino acid from a tyrosine to a stop codon within coding exon 10. This mutation has been identified in numerous high-risk breast cancer patients (Yablonski-Peretz T et al. Breast Cancer Res. Treat. 2016 Jan;155:133-8; Li JY et al. Int J Cancer, 2019 01;144:281-289; Deng M et al. Int J Cancer, 2019 09;145:1517-1528). Further, another nucleotide substitution (c.5682C>G) resulting in a truncation at the same position has been described in patients with breast and ovarian cancer, Fanconi anemia (Fernandes GC et al. Oncotarget. 2016 Dec;7:80465-80481; Tea MK et al. Maturitas. 2014 Jan;77:68-72; Pohlreich P et al. Breast Cancer Res, 2005 Jul;7:R728-36; Risch HA et al. Am. J. Hum. Genet. 2001 Mar;68:700-10; Wagner JE et al. Blood. 2004 Apr;103:3226-9), and in a patient with prostate cancer, who was part of a known BRCA2 family (Edwards SM et al. Br. J. Cancer. 2010 Sep;103:918-24). This variant is considered to be rare based on population cohorts in the Genome Aggregation Database (gnomAD). In addition to the clinical data presented in the literature, this alteration is expected to result in loss of function by premature protein truncation or nonsense-mediated mRNA decay. As such, this alteration is interpreted as a disease-causing mutation.

Baylor Genetics
Classification: Pathogenic for Familial cancer of breast. Last evaluated: 2024-03-01. Review status: criteria provided, single submitter. Criteria: ACMG Guidelines, 2015. Collection method: clinical testing. Allele origin: unknown. Not counted in ClinVar's aggregate classification.

Department of Pathology and Laboratory Medicine, Sinai Health System
Classification: Pathogenic for Familial pancreatic carcinoma. Last evaluated: 2023-11-09. Review status: criteria provided, single submitter. Criteria: ACMG Guidelines, 2015. Collection method: clinical testing. Allele origin: germline. Affected: yes. Not counted in ClinVar's aggregate classification.

Color Diagnostics, LLC DBA Color Health
Classification: Pathogenic for Hereditary cancer-predisposing syndrome. Last evaluated: 2022-01-20. Review status: criteria provided, single submitter. Criteria: ACMG Guidelines, 2015. Collection method: clinical testing. Allele origin: germline. Not counted in ClinVar's aggregate classification.
Comment: This variant changes 1 nucleotide in exon 11 of the BRCA2 gene, creating a premature translation stop signal. This variant is expected to result in an absent or non-functional protein product. This variant has been reported in individuals affected with breast cancer (PMID: 18042939, 26687385, 31528241). This variant has not been identified in the general population by the Genome Aggregation Database (gnomAD). Loss of BRCA2 function is a known mechanism of disease. Based on the available evidence, this variant is classified as Pathogenic.

Women's Health and Genetics/Laboratory Corporation of America, LabCorp
Classification: Pathogenic for Hereditary breast ovarian cancer syndrome. Last evaluated: 2021-09-20. Review status: criteria provided, single submitter. Criteria: LabCorp Variant Classification Summary - May 2015. Collection method: clinical testing. Allele origin: germline. Not counted in ClinVar's aggregate classification.
Comment: Variant summary: BRCA2 c.5682C>A (p.Tyr1894X) results in a premature termination codon, predicted to cause a truncation of the encoded protein or absence of the protein due to nonsense mediated decay, which are commonly known mechanisms for disease. Truncations downstream of this position have been classified as pathogenic by our laboratory. The variant was absent in 250362 control chromosomes. c.5682C>A has been reported in the literature in multiple individuals affected with Hereditary Breast And Ovarian Cancer Syndrome (Rebbeck_2018, Verhoog_2001, etc). These data indicate that the variant is very likely to be associated with disease. To our knowledge, no experimental evidence demonstrating an impact on protein function has been reported. Six clinical diagnostic laboratories have submitted clinical-significance assessments for this variant to ClinVar after 2014 without evidence for independent evaluation. All laboratories classified the variant as pathogenic. Based on the evidence outlined above, the variant was classified as pathogenic.

Quest Diagnostics Nichols Institute San Juan Capistrano
Classification: Pathogenic. Last evaluated: 2016-08-17. Review status: criteria provided, single submitter. Criteria: Quest Diagnostics criteria. Collection method: clinical testing. Allele origin: germline. Not counted in ClinVar's aggregate classification.

Consortium of Investigators of Modifiers of BRCA1/2 (CIMBA), c/o University of Cambridge
Classification: Pathogenic for Breast-ovarian cancer, familial, susceptibility to, 2. Last evaluated: 2015-10-02. Review status: criteria provided, single submitter. Criteria: CIMBA Mutation Classification guidelines May 2016. Collection method: clinical testing. Allele origin: germline. Not counted in ClinVar's aggregate classification.

Research Molecular Genetics Laboratory, Women's College Hospital, University of Toronto
Classification: Pathogenic for Hereditary breast ovarian cancer syndrome. Last evaluated: 2014-01-31. Review status: no assertion criteria provided. Collection method: research. Allele origin: germline. Affected: yes. Study: The Canadian Open Genetics Repository (COGR). Not counted in ClinVar's aggregate classification.

Breast Cancer Information Core (BIC) (BRCA2)
Classification: Pathogenic for Breast-ovarian cancer, familial 2. Last evaluated: 2000-06-12. Review status: no assertion criteria provided. Collection method: clinical testing. Allele origin: germline. Affected: yes. Observed: 3 variant alleles. Not counted in ClinVar's aggregate classification.

Literature cited by the submitters: PubMed 20104584 (cited by Labcorp Genetics (formerly Invitae), Labcorp); PubMed 29446198 (cited by 3 submitters); PubMed 29752822 (cited by Labcorp Genetics (formerly Invitae), Labcorp and Ambry Genetics); PubMed 30720863 (cited by Labcorp Genetics (formerly Invitae), Labcorp and Ambry Genetics); PubMed 11179017 (cited by Ambry Genetics); PubMed 11241844 (cited by Ambry Genetics); PubMed 24055113 (cited by Ambry Genetics); PubMed 24156927 (cited by Ambry Genetics); PubMed 25525159 (cited by Ambry Genetics); PubMed 25637381 (cited by Ambry Genetics); PubMed 26687385 (cited by 3 submitters); PubMed 27741520 (cited by Ambry Genetics and Department of Pathology and Laboratory Medicine, Sinai Health System); PubMed 33471991 (cited by Department of Pathology and Laboratory Medicine, Sinai Health System); PubMed 31825140 (cited by Department of Pathology and Laboratory Medicine, Sinai Health System); PubMed 30702160 (cited by Department of Pathology and Laboratory Medicine, Sinai Health System); PubMed 11597388 (cited by Department of Pathology and Laboratory Medicine, Sinai Health System and Women's Health and Genetics/Laboratory Corporation of America, LabCorp); PubMed 18042939 (cited by Color Diagnostics, LLC DBA Color Health); PubMed 31528241 (cited by Color Diagnostics, LLC DBA Color Health).

NM_000059.4(BRCA2):c.5682C>A (p.Tyr1894Ter)

Gene: BRCA2 (BRCA2 DNA repair associated; plus strand). Cytogenetic location: 13q13.1.
Variant type: single nucleotide variant.
Coding change: c.5682C>A on transcript NM_000059.4 (MANE Select); coding-DNA position 5682, C replaced by A.
Protein change: p.Tyr1894Ter; replaces tyrosine 1894 with a stop codon.
Molecular consequence: nonsense.
Genome position (GRCh38, 1-based): chr13:32,340,037, C>A. VCF-style: chr13-32340037-C-A. GRCh37 (hg19) VCF-style: chr13-32914174-C-A.
Other names: short protein forms Y1894X.
Identifiers: ClinVar variation 126072 (VCV000126072.28), dbSNP rs41293497, ClinGen allele CA022957.